The following is an entry in ClinVar:

ClinVar aggregate classification (germline): Uncertain significance (1 of 4 stars; one submission).

Conditions:
Glycogen storage disease IXd (GSD9D). Also called: GSD IXd; Muscle Phosphorylase Kinase Deficiency. Identifiers: Orphanet 715, MedGen C1845151, MONDO:0010362, OMIM 300559.

Submission:

Labcorp Genetics (formerly Invitae), Labcorp
Classification: Uncertain significance for Glycogen storage disease IXd. Last evaluated: 2022-07-09. Review status: criteria provided, single submitter. Criteria: Invitae Variant Classification Sherloc (09022015). Collection method: clinical testing. Allele origin: germline.
Comment: In summary, the available evidence is currently insufficient to determine the role of this variant in disease. Therefore, it has been classified as a Variant of Uncertain Significance. Algorithms developed to predict the effect of missense changes on protein structure and function are either unavailable or do not agree on the potential impact of this missense change (SIFT: "Deleterious"; PolyPhen-2: "Probably Damaging"; Align-GVGD: "Class C0"). This variant is not present in population databases (gnomAD no frequency). This sequence change replaces threonine, which is neutral and polar, with isoleucine, which is neutral and non-polar, at codon 149 of the PHKA1 protein (p.Thr149Ile). This variant has not been reported in the literature in individuals affected with PHKA1-related conditions.

NM_002637.4(PHKA1):c.446C>T (p.Thr149Ile)

Genes: PHKA1 (phosphorylase kinase regulatory subunit alpha 1; minus strand), PHKA1-AS1 (PHKA1 antisense RNA 1; plus strand). Cytogenetic location: Xq13.1.
Variant type: single nucleotide variant.
Coding change: c.446C>T on transcript NM_002637.4 (MANE Select); coding-DNA position 446, C replaced by T.
Protein change: p.Thr149Ile; replaces threonine 149 with isoleucine.
Molecular consequence: missense variant.
Genome position (GRCh38, 1-based): chrX:72,695,716, G>A on the plus strand (C>T on the coding strand, the complement: PHKA1 is on the minus strand). VCF-style: chrX-72695716-G-A. GRCh37 (hg19) VCF-style: chrX-71915566-G-A.
Other names: c.446C>T, p.Thr149Ile (NM_001122670.2, NM_001172436.2); short protein forms T149I.
Identifiers: ClinVar variation 1986812 (VCV001986812.4), dbSNP rs2522804234, ClinGen allele CA413638858.